The following is an entry in ClinVar:

ClinVar aggregate classification (germline): Uncertain significance (1 of 4 stars; one submission).

Conditions:
Neutropenia, severe congenital, 1, autosomal dominant. Identifiers: MedGen C1859966, MONDO:0042490, OMIM 202700.
Cyclical neutropenia. Also called: Cyclic hematopoiesis; Cyclic Neutropenia. Identifiers: Orphanet 2686, MedGen C0221023, MONDO:0008090, OMIM 162800, HP:0040289. Disease mechanism: loss of function.

gnomAD v4.1: 1 of 1,610,656 alleles (0.000062%); no homozygotes.

Submission:

Labcorp Genetics (formerly Invitae), Labcorp
Classification: Uncertain significance for Neutropenia, severe congenital, 1, autosomal dominant; Cyclical neutropenia. Last evaluated: 2024-04-25. Review status: criteria provided, single submitter. Criteria: Invitae Variant Classification Sherloc (09022015). Collection method: clinical testing. Allele origin: germline.
Comment: This sequence change falls in intron 1 of the ELANE gene. It does not directly change the encoded amino acid sequence of the ELANE protein. It affects a nucleotide within the consensus splice site. This variant is not present in population databases (gnomAD no frequency). This variant has not been reported in the literature in individuals affected with ELANE-related conditions. Variants that disrupt the consensus splice site are a relatively common cause of aberrant splicing (PMID: 17576681, 9536098). Algorithms developed to predict the effect of sequence changes on RNA splicing suggest that this variant may disrupt the consensus splice site. In summary, the available evidence is currently insufficient to determine the role of this variant in disease. Therefore, it has been classified as a Variant of Uncertain Significance.

Literature cited by the submitters: PubMed 17576681; PubMed 9536098.

NM_001972.4(ELANE):c.67+3G>T

Gene: ELANE (elastase, neutrophil expressed; plus strand). Cytogenetic location: 19p13.3.
Variant type: single nucleotide variant.
Coding change: c.67+3G>T on transcript NM_001972.4 (MANE Select); 3 bases into the intron after coding-DNA position 67, G replaced by T.
Molecular consequence: intron variant.
Genome position (GRCh38, 1-based): chr19:852,398, G>T. VCF-style: chr19-852398-G-T. GRCh37 (hg19) VCF-style: chr19-852398-G-T.
Identifiers: ClinVar variation 3752306 (VCV003752306.2).